The following is an entry in ClinVar:

NM_000540.3(RYR1):c.13271A>C (p.Glu4424Ala)

Gene: RYR1 (ryanodine receptor 1; plus strand). Cytogenetic location: 19q13.2.
Variant type: single nucleotide variant.
Coding change: c.13271A>C on transcript NM_000540.3 (MANE Select); coding-DNA position 13271, A replaced by C.
Protein change: p.Glu4424Ala; replaces glutamic acid 4424 with alanine.
Molecular consequence: missense variant.
Genome position (GRCh38, 1-based): chr19:38,565,605, A>C. VCF-style: chr19-38565605-A-C. GRCh37 (hg19) VCF-style: chr19-39056245-A-C.
Other names: c.13256A>C, p.Glu4419Ala (NM_001042723.2); short protein forms E4424A, E4419A.
Identifiers: ClinVar variation 199213 (VCV000199213.15), dbSNP rs752665367, ClinGen allele CA024041.

ClinVar aggregate classification (germline): Uncertain significance. Review status: criteria provided, multiple submitters, no conflicts (2 of 4 stars). 5 submissions from 5 submitters: Uncertain significance (5). Last evaluated 2025-09-21.

Conditions:
Congenital multicore myopathy with external ophthalmoplegia (CMYO1B). Also called: MULTICORE MYOPATHY; MULTIMINICORE DISEASE WITH EXTERNAL OPHTHALMOPLEGIA; Congenital myopathy 1B, autosomal recessive; Minicore myopathy; Minicore myopathy with external ophthalmoplegia. Identifiers: Orphanet 598, Orphanet 98905, MedGen C1850674, MONDO:0009712, OMIM 255320, HP:0003789.
Central core myopathy (CMYO1A). Also called: CONGENITAL MYOPATHY 1A, AUTOSOMAL DOMINANT, WITH SUSCEPTIBILITY TO MALIGNANT HYPERTHERMIA; Central core disease; Myopathy, central fibrillar. Identifiers: Orphanet 597, MedGen C5830701, MONDO:0007294, OMIM 117000.
Malignant hyperthermia, susceptibility to, 1 (MHS1). Also called: RYR1-Related Malignant Hyperthermia Susceptibility; Malignant hyperthermia suceptibility 1; Anesthesia related hyperthermia; Malignant hyperpyrexia; Fulminating hyperpyrexia; Pharmacogenic myopathy. Identifiers: Orphanet 423, MedGen C2930980, MONDO:0007783, OMIM 145600.
Congenital myopathy with fiber type disproportion. Also called: Congenital fiber-type disproportion; Congenital fiber-type disproportion myopathy. Identifiers: Orphanet 2020, MedGen C0546264, MONDO:0009711. Inheritance: all.
King Denborough syndrome (KDS). Identifiers: MedGen C1840365, MONDO:0020485, OMIM 619542.
RYR1-related disorder. Also called: RYR1-related disorders; RYR1-related condition. Identifiers: MedGen CN239331.

Allele frequency attached by ClinVar (database versions not stated): ExAC below 0.00001; gnomAD exomes 0.00002 and 0.00005; gnomAD 0.00003 and 0.00004; TOPMed 0.00003; 1000 Genomes Project 30x 0.00047.
gnomAD v4.1: 33 of 1,448,676 alleles (0.0023%); highest among the groups gnomAD compares: East Asian, 0.0059%; 1 homozygote.

Submissions (5):

Labcorp Genetics (formerly Invitae), Labcorp
Classification: Uncertain significance for RYR1-related disorder. Last evaluated: 2025-09-21. Review status: criteria provided, single submitter. Criteria: Invitae Variant Classification Sherloc (09022015). Collection method: clinical testing. Allele origin: germline.
Comment: This sequence change replaces glutamic acid, which is acidic and polar, with alanine, which is neutral and non-polar, at codon 4424 of the RYR1 protein (p.Glu4424Ala). This variant is present in population databases (rs752665367, gnomAD 0.05%). This variant has not been reported in the literature in individuals affected with RYR1-related conditions. ClinVar contains an entry for this variant (Variation ID: 199213). Invitae Evidence Modeling of protein sequence and biophysical properties (such as structural, functional, and spatial information, amino acid conservation, physicochemical variation, residue mobility, and thermodynamic stability) indicates that this missense variant is not expected to disrupt RYR1 protein function with a negative predictive value of 80%. In summary, the available evidence is currently insufficient to determine the role of this variant in disease. Therefore, it has been classified as a Variant of Uncertain Significance.

Revvity Omics, Revvity
Classification: Uncertain significance. Last evaluated: 2022-10-11. Review status: criteria provided, single submitter. Criteria: ACMG Guidelines, 2015. Collection method: clinical testing. Allele origin: germline.

Fulgent Genetics
Classification: Uncertain significance for Central core myopathy; Malignant hyperthermia, susceptibility to, 1; Congenital myopathy 4A, autosomal dominant; Congenital multicore myopathy with external ophthalmoplegia; King Denborough syndrome. Last evaluated: 2021-09-08. Review status: criteria provided, single submitter. Criteria: ACMG Guidelines, 2015. Collection method: clinical testing. Allele origin: unknown.

Eurofins Ntd Llc (ga)
Classification: Uncertain significance. Last evaluated: 2015-05-19. Review status: criteria provided, single submitter. Criteria: EGL Classification Definitions 2015. Collection method: clinical testing. Allele origin: germline. Observed: 1 variant allele, 1 heterozygote.

PreventionGenetics, part of Exact Sciences
Classification: Uncertain significance. Last evaluated: 2013-10-29. Review status: criteria provided, single submitter. Criteria: ACMG Guidelines, 2015. Collection method: clinical testing. Allele origin: germline.